The following is an entry in ClinVar:

NM_004517.4(ILK):c.65A>G (p.Asn22Ser)

Genes: ILK (integrin linked kinase; plus strand), LOC130005201 (ATAC-STARR-seq lymphoblastoid active region 4345; plus strand). Cytogenetic location: 11p15.4.
Variant type: single nucleotide variant.
Coding change: c.65A>G on transcript NM_004517.4 (MANE Select); coding-DNA position 65, A replaced by G.
Protein change: p.Asn22Ser; replaces asparagine 22 with serine.
Molecular consequence: missense variant. On other transcripts: 5 prime UTR variant (1).
Genome position (GRCh38, 1-based): chr11:6,604,336, A>G. VCF-style: chr11-6604336-A-G. GRCh37 (hg19) VCF-style: chr11-6625566-A-G.
Other names: p.N22S:AAC>AGC; c.65A>G, p.Asn22Ser (NM_001014794.3, NM_001014795.3, NM_001278441.2); c.-172A>G (NM_001278442.2); short protein forms N22S.
Identifiers: ClinVar variation 201788 (VCV000201788.28), dbSNP rs114115159, ClinGen allele CA335189.

ClinVar aggregate classification (germline): Conflicting classifications of pathogenicity. Review status: criteria provided, conflicting classifications (1 of 4 stars). 11 submissions from 11 submitters: Uncertain significance (1); Likely benign (6). 4 of the submissions do not count toward it. Last evaluated 2026-01-06.

Conditions:
ILK-related disorder. Also called: ILK-related condition.
Cardiomyopathy (CMYO). Also called: Cardiomyopathies. Identifiers: Orphanet 167848, MedGen C0878544, MONDO:0004994, HP:0001638. Inheritance: Various modes of inheritance.
Primary familial hypertrophic cardiomyopathy (HCM). Identifiers: Orphanet 99739, MedGen C0949658, MeSH D024741, MONDO:0024573. Inheritance: Various modes of inheritance.

Allele frequency attached by ClinVar (database versions not stated): 1000 Genomes Project 0.00040; 1000 Genomes Project 30x 0.00047; ESP Exome Variant Server 0.00069; TOPMed 0.00076; gnomAD 0.00080 and 0.00082; gnomAD exomes 0.00115 and 0.00123; ExAC 0.00187.
gnomAD v4.1: 1,889 of 1,611,672 alleles (0.12%); highest among the groups gnomAD compares: Non-Finnish European, 0.14%; 4 homozygotes.

Submissions (11):

Labcorp Genetics (formerly Invitae), Labcorp
Classification: Likely benign for Primary familial hypertrophic cardiomyopathy. Last evaluated: 2026-01-06. Review status: criteria provided, single submitter. Criteria: Invitae Variant Classification Sherloc (09022015). Collection method: clinical testing. Allele origin: germline.

Blueprint Genetics
Classification: Likely benign. Last evaluated: 2024-11-23. Review status: criteria provided, single submitter. Criteria: ACMG Guidelines, 2015. Collection method: clinical testing. Allele origin: germline.

GeneDx
Classification: Likely benign. Last evaluated: 2021-01-13. Review status: criteria provided, single submitter. Criteria: GeneDx Variant Classification Process June 2021. Collection method: clinical testing. Allele origin: germline. Affected: yes.

Center for Advanced Laboratory Medicine, UC San Diego Health, University of California San Diego
Classification: Likely benign for Cardiomyopathy. Last evaluated: 2017-09-08. Review status: criteria provided, single submitter. Criteria: ACMG Guidelines, 2015. Collection method: clinical testing. Allele origin: germline. Affected: yes. Observed: 1 variant allele.

Stanford Center for Inherited Cardiovascular Disease, Stanford University
Classification: Uncertain significance. Last evaluated: 2015-06-12. Review status: criteria provided, single submitter. Criteria: ACMG Guidelines, 2015. Collection method: provider interpretation. Allele origin: germline.

Laboratory for Molecular Medicine, Mass General Brigham Personalized Medicine
Classification: Likely benign. Last evaluated: 2015-04-18. Review status: criteria provided, single submitter. Criteria: LMM Criteria. Collection method: clinical testing. Allele origin: germline. Observed: 2 variant alleles.
Comment: p.Asn22Ser in exon 1 of ILK: This variant is not expected to have clinical signi ficance because it has been identified in 0.3% (151/47102) of European chromosom es by the Exome Aggregation Consortium (ExAC; db SNP rs114115159).

Breakthrough Genomics
Classification: Likely benign. Review status: criteria provided, single submitter. Criteria: ACMG Guidelines, 2015. Collection method: not provided. Allele origin: germline. Inheritance: Unknown mechanism. Affected: yes.

PreventionGenetics, part of Exact Sciences
Classification: Likely benign for ILK-related condition. Last evaluated: 2023-12-16. Review status: no assertion criteria provided. Collection method: clinical testing. Allele origin: germline. Not counted in ClinVar's aggregate classification.
Comment: This variant is classified as likely benign based on ACMG/AMP sequence variant interpretation guidelines (Richards et al. 2015 PMID: 25741868, with internal and published modifications).

Clinical Genetics DNA and cytogenetics Diagnostics Lab, Erasmus MC, Erasmus Medical Center
Classification: Likely benign. Review status: no assertion criteria provided. Collection method: clinical testing. Allele origin: germline. Affected: yes. Study: VKGL Data-share Consensus. Not counted in ClinVar's aggregate classification.

Diagnostic Laboratory, Department of Genetics, University Medical Center Groningen
Classification: Likely benign. Review status: no assertion criteria provided. Collection method: clinical testing. Allele origin: germline. Affected: yes. Study: VKGL Data-share Consensus. Not counted in ClinVar's aggregate classification.

Genome Diagnostics Laboratory, University Medical Center Utrecht
Classification: Likely benign. Review status: no assertion criteria provided. Collection method: clinical testing. Allele origin: germline. Affected: yes. Study: VKGL Data-share Consensus. Not counted in ClinVar's aggregate classification.